The following is an entry in ClinVar:

NM_173354.5(SIK1):c.1648C>T (p.Pro550Ser)

Gene: SIK1 (salt inducible kinase 1; minus strand). Cytogenetic location: 21q22.3.
Variant type: single nucleotide variant.
Coding change: c.1648C>T on transcript NM_173354.5 (MANE Select); coding-DNA position 1648, C replaced by T.
Protein change: p.Pro550Ser; replaces proline 550 with serine.
Molecular consequence: missense variant.
Genome position (GRCh38, 1-based): chr21:43,418,356, G>A on the plus strand (C>T on the coding strand, the complement: SIK1 is on the minus strand). VCF-style: chr21-43418356-G-A. GRCh37 (hg19) VCF-style: chr21-44838236-G-A.
Other names: short protein forms P550S.
Identifiers: ClinVar variation 2662518 (VCV002662518.2), dbSNP rs2516965236, ClinGen allele CA410607588.

ClinVar aggregate classification (germline): Uncertain significance (1 of 4 stars; one submission).

Submission:

GeneDx
Classification: Uncertain significance. Last evaluated: 2026-01-23. Review status: criteria provided, single submitter. Criteria: GeneDx Variant Classification Process June 2021. Collection method: clinical testing. Allele origin: germline.
Comment: Not observed at significant frequency in large population cohorts (gnomAD); In silico analysis supports that this missense variant has a deleterious effect on protein structure/function; Has not been previously published as pathogenic or benign to our knowledge; Variants in candidate genes are classified as variants of uncertain significance in accordance with ACMG guidelines (PMID: 25741868)